The following is an entry in ClinVar:

NM_001378615.1(CC2D2A):c.3779C>T (p.Ser1260Phe)

Genes: CC2D2A (coiled-coil and C2 domain containing 2A; plus strand), FBXL5 (F-box and leucine rich repeat protein 5; minus strand). Cytogenetic location: 4p15.32.
Variant type: single nucleotide variant.
Coding change: c.3779C>T on transcript NM_001378615.1 (MANE Select); coding-DNA position 3779, C replaced by T.
Protein change: p.Ser1260Phe; replaces serine 1260 with phenylalanine.
Molecular consequence: missense variant.
Genome position (GRCh38, 1-based): chr4:15,579,975, C>T. VCF-style: chr4-15579975-C-T. GRCh37 (hg19) VCF-style: chr4-15581598-C-T.
Other names: c.3779C>T, p.Ser1260Phe (NM_001080522.2); c.3632C>T, p.Ser1211Phe (NM_001378617.1); short protein forms S1260F, S1211F.
Identifiers: ClinVar variation 461752 (VCV000461752.6), dbSNP rs759726075, ClinGen allele CA2864236.

ClinVar aggregate classification (germline): Uncertain significance (1 of 4 stars; one submission).

Conditions:
Meckel-Gruber syndrome. Also called: Dysencephalia splachnocystica; DYSENCEPHALIA SPLANCHNOCYSTICA; GRUBER SYNDROME. Identifiers: Orphanet 564, MedGen C0265215, MONDO:0018921.
Joubert syndrome. Also called: Familial aplasia of the vermis; JOUBERT-BOLTSHAUSER SYNDROME. Identifiers: Orphanet 475, MedGen C5979921, MONDO:0018772.

Allele frequency attached by ClinVar (database versions not stated): gnomAD exomes below 0.00001; ExAC 0.00001; TOPMed 0.00002.

Submission:

Labcorp Genetics (formerly Invitae), Labcorp
Classification: Uncertain significance for Joubert syndrome; Meckel-Gruber syndrome. Last evaluated: 2021-08-24. Review status: criteria provided, single submitter. Criteria: Invitae Variant Classification Sherloc (09022015). Collection method: clinical testing. Allele origin: germline.
Comment: This sequence change replaces serine with phenylalanine at codon 1260 of the CC2D2A protein (p.Ser1260Phe). The serine residue is moderately conserved and there is a large physicochemical difference between serine and phenylalanine. This variant is present in population databases (rs759726075, ExAC 0.01%). This variant has not been reported in the literature in individuals affected with CC2D2A-related conditions. Algorithms developed to predict the effect of missense changes on protein structure and function are either unavailable or do not agree on the potential impact of this missense change (SIFT: "Deleterious"; PolyPhen-2: "Possibly Damaging"; Align-GVGD: "Class C0"). In summary, the available evidence is currently insufficient to determine the role of this variant in disease. Therefore, it has been classified as a Variant of Uncertain Significance.